The following is an entry in ClinVar:

ClinVar aggregate classification (germline): Benign (1 of 4 stars; one submission).

Conditions:
Landau-Kleffner syndrome (FESD). Also called: EPILEPSY, FOCAL, WITH SPEECH DISORDER AND WITH OR WITHOUT MENTAL RETARDATION; APHASIA, ACQUIRED, WITH EPILEPSY. Identifiers: Orphanet 1945, Orphanet 725, Orphanet 98818, MedGen C0282512, MONDO:0009509, OMIM 245570.

Allele frequency attached by ClinVar (database versions not stated): 1000 Genomes Project 0.01238; TOPMed 0.01436; gnomAD exomes 0.00233; gnomAD 0.01251 and 0.01351; 1000 Genomes Project 30x 0.01343.
gnomAD v4.1: 1,999 of 199,214 alleles (1%); highest among the groups gnomAD compares: African/African-American, 4.3%; 28 homozygotes.

Submission:

Illumina Laboratory Services, Illumina
Classification: Benign for Landau-Kleffner syndrome. Last evaluated: 2018-01-13. Review status: criteria provided, single submitter. Criteria: ICSL Variant Classification Criteria 13 December 2019. Collection method: clinical testing. Allele origin: germline.
Comment: This variant was observed in the ICSL laboratory as part of a predisposition screen in an ostensibly healthy population. It had not been previously curated by ICSL or reported in the Human Gene Mutation Database (HGMD: prior to June 1st, 2018), and was therefore a candidate for classification through an automated scoring system. Utilizing variant allele frequency, disease prevalence and penetrance estimates, and inheritance mode, an automated score was calculated to assess if this variant is too frequent to cause the disease. Based on the score and internal cut-off values, a variant classified as benign is not then subjected to further curation. The score for this variant resulted in a classification of benign for this disease.

NM_001134407.3(GRIN2A):c.*8077T>G

Gene: GRIN2A (glutamate ionotropic receptor NMDA type subunit 2A; minus strand). Cytogenetic location: 16p13.2.
Variant type: single nucleotide variant.
Coding change: c.*8077T>G on transcript NM_001134407.3 (MANE Select); 8077 bases downstream of the stop codon, T replaced by G.
Molecular consequence: 3 prime UTR variant.
Genome position (GRCh38, 1-based): chr16:9,755,072, A>C on the plus strand (T>G on the coding strand, the complement: GRIN2A is on the minus strand). VCF-style: chr16-9755072-A-C. GRCh37 (hg19) VCF-style: chr16-9848929-A-C.
Other names: c.*8077T>G (NM_000833.5); c.*8283T>G (NM_001134408.2).
Identifiers: ClinVar variation 321476 (VCV000321476.5), dbSNP rs16966243, ClinGen allele CA10648448.